The following is an entry in ClinVar:

ClinVar aggregate classification (germline): Uncertain significance (1 of 4 stars; one submission).

Conditions:
RASopathy. Also called: rasopathies; Noonan spectrum disorder. Identifiers: Orphanet 536391, MedGen C5555857, MONDO:0021060.

Submission:

Labcorp Genetics (formerly Invitae), Labcorp
Classification: Uncertain significance for RASopathy. Last evaluated: 2023-10-13. Review status: criteria provided, single submitter. Criteria: Invitae Variant Classification Sherloc (09022015). Collection method: clinical testing. Allele origin: germline.
Comment: This sequence change replaces proline, which is neutral and non-polar, with arginine, which is basic and polar, at codon 1112 of the SOS1 protein (p.Pro1112Arg). This variant is not present in population databases (gnomAD no frequency). This variant has not been reported in the literature in individuals affected with SOS1-related conditions. ClinVar contains an entry for this variant (Variation ID: 1415263). Advanced modeling of protein sequence and biophysical properties (such as structural, functional, and spatial information, amino acid conservation, physicochemical variation, residue mobility, and thermodynamic stability) has been performed at Invitae for this missense variant, however the output from this modeling did not meet the statistical confidence thresholds required to predict the impact of this variant on SOS1 protein function. In summary, the available evidence is currently insufficient to determine the role of this variant in disease. Therefore, it has been classified as a Variant of Uncertain Significance.

NM_005633.4(SOS1):c.3335C>G (p.Pro1112Arg)

Gene: SOS1 (SOS Ras/Rac guanine nucleotide exchange factor 1; minus strand). Cytogenetic location: 2p22.1.
Variant type: single nucleotide variant.
Coding change: c.3335C>G on transcript NM_005633.4 (MANE Select); coding-DNA position 3335, C replaced by G.
Protein change: p.Pro1112Arg; replaces proline 1112 with arginine.
Molecular consequence: missense variant.
Genome position (GRCh38, 1-based): chr2:38,995,134, G>C on the plus strand (C>G on the coding strand, the complement: SOS1 is on the minus strand). VCF-style: chr2-38995134-G-C. GRCh37 (hg19) VCF-style: chr2-39222275-G-C.
Other names: c.3314C>G, p.Pro1105Arg (NM_001382394.1); c.3335C>G, p.Pro1112Arg (NM_001382395.1); short protein forms P1105R, P1112R.
Identifiers: ClinVar variation 1415263 (VCV001415263.6), dbSNP rs1668848728, ClinGen allele CA346360306.